The following is an entry in ClinVar:

ClinVar aggregate classification (germline): Pathogenic. Review status: reviewed by expert panel (3 of 4 stars). 2 submissions from 2 submitters: Pathogenic (1). 1 of the submissions does not count toward it. Last evaluated 2017-12-15.

Conditions:
Breast-ovarian cancer, familial, susceptibility to, 2 (BROVCA2). Also called: BRCA2 Hereditary Breast and Ovarian Cancer. Identifiers: Orphanet 145, MedGen C2675520, MONDO:0012933, OMIM 612555. Disease mechanism: loss of function.
Familial cancer of breast. Also called: BREAST CANCER, FAMILIAL; Hereditary breast cancer; hereditary breast carcinoma. Identifiers: Orphanet 227535, MedGen C0346153, MONDO:0016419, OMIM 114480. Disease mechanism: loss of function.

Submissions (2):

Evidence-based Network for the Interpretation of Germline Mutant Alleles (ENIGMA)
Classification: Pathogenic for Breast-ovarian cancer, familial, susceptibility to, 2. Last evaluated: 2017-12-15. Review status: reviewed by expert panel. Criteria: ENIGMA BRCA1/2 Classification Criteria (2017-06-29). Collection method: curation. Allele origin: germline. Study: ENIGMA.
Comment: Variant allele predicted to encode a truncated non-functional protein.

ClinVar Staff, National Center for Biotechnology Information (NCBI)
No classification provided. Condition: Familial cancer of breast. Review status: no classification provided. Collection method: literature only. Allele origin: germline. Affected: yes. Not counted in ClinVar's aggregate classification.

Literature cited by the submitters: PubMed 21702907 (cited by ClinVar Staff, National Center for Biotechnology Information (NCBI)).

NM_000059.4(BRCA2):c.9498dup (p.Glu3167Ter)

Gene: BRCA2 (BRCA2 DNA repair associated; plus strand). Cytogenetic location: 13q13.1.
Variant type: Duplication.
Coding change: c.9498dup on transcript NM_000059.4 (MANE Select); coding-DNA position 9498, one base duplicated (T; older notation c.9498dupT).
Protein change: p.Glu3167Ter; replaces glutamic acid 3167 with a stop codon.
Molecular consequence: nonsense.
Genome position (GRCh38, 1-based): chr13:32,394,930, T duplicated; the last of 2 consecutive T bases (chr13:32,394,929-32,394,930); duplicating either gives the same sequence. VCF-style (leftmost placement, unchanged base first): chr13-32394928-G-GT. GRCh37 (hg19) VCF-style: chr13-32969065-G-GT.
Other names: c.9498dupT (NM_000059.3); short protein forms E3167*.
Identifiers: ClinVar variation 52850 (VCV000052850.3), dbSNP rs397508055, ClinGen allele CA026178.